The following is an entry in ClinVar:

ClinVar aggregate classification (germline): Conflicting classifications of pathogenicity. Review status: criteria provided, conflicting classifications (1 of 4 stars). 3 submissions from 3 submitters: Uncertain significance (1); Likely benign (2). Last evaluated 2026-07-01.

Conditions:
Inborn genetic diseases. Identifiers: MedGen C0950123, MeSH D030342.

Allele frequency attached by ClinVar (database versions not stated): gnomAD 0.00001; TOPMed 0.00002; gnomAD exomes 0.00003 and 0.00004; ExAC 0.00005; 1000 Genomes Project 30x 0.00016; 1000 Genomes Project 0.00020.

Submissions (3):

CeGaT Center for Human Genetics Tuebingen
Classification: Likely benign. Last evaluated: 2026-07-01. Review status: criteria provided, single submitter. Criteria: CeGaT Center For Human Genetics Tuebingen Variant Classification Criteria Version 2. Collection method: clinical testing. Allele origin: germline. Affected: yes. Observed: 1 variant allele.
Comment: CHD8: BS1

Labcorp Genetics (formerly Invitae), Labcorp
Classification: Likely benign. Last evaluated: 2025-06-02. Review status: criteria provided, single submitter. Criteria: Invitae Variant Classification Sherloc (09022015). Collection method: clinical testing. Allele origin: germline.

Ambry Genetics
Classification: Uncertain significance for Inborn genetic diseases. Last evaluated: 2015-03-12. Review status: criteria provided, single submitter. Criteria: Ambry exome assertion method (8-5-2015). Collection method: clinical testing. Allele origin: germline. Affected: yes. Observed: 1 variant allele.

NM_001170629.2(CHD8):c.6206C>T (p.Ser2069Leu)

Gene: CHD8 (chromodomain helicase DNA binding protein 8; minus strand). Cytogenetic location: 14q11.2.
Variant type: single nucleotide variant.
Coding change: c.6206C>T on transcript NM_001170629.2 (MANE Select); coding-DNA position 6206, C replaced by T.
Protein change: p.Ser2069Leu; replaces serine 2069 with leucine.
Molecular consequence: missense variant.
Genome position (GRCh38, 1-based): chr14:21,393,589, G>A on the plus strand (C>T on the coding strand, the complement: CHD8 is on the minus strand). VCF-style: chr14-21393589-G-A. GRCh37 (hg19) VCF-style: chr14-21861748-G-A.
Other names: c.5369C>T, p.Ser1790Leu (NM_020920.4); short protein forms S1790L, S2069L.
Identifiers: ClinVar variation 520632 (VCV000520632.10), dbSNP rs200858701, ClinGen allele CA7090823.